The following is an entry in ClinVar:

ClinVar aggregate classification (germline): Uncertain significance (1 of 4 stars; one submission).

gnomAD v4.1: 3 of 1,613,688 alleles (0.00019%); highest among the groups gnomAD compares: African/African-American, 0.0027%; no homozygotes.

Submission:

Labcorp Genetics (formerly Invitae), Labcorp
Classification: Uncertain significance. Last evaluated: 2025-06-06. Review status: criteria provided, single submitter. Criteria: Invitae Variant Classification Sherloc (09022015). Collection method: clinical testing. Allele origin: germline.
Comment: This sequence change replaces glutamic acid, which is acidic and polar, with aspartic acid, which is acidic and polar, at codon 531 of the ADAMTS17 protein (p.Glu531Asp). This variant is present in population databases (no rsID available, gnomAD 0.02%). This variant has not been reported in the literature in individuals affected with ADAMTS17-related conditions. An algorithm developed to predict the effect of missense changes on protein structure and function outputs the following: PolyPhen-2: "Benign". The aspartic acid amino acid residue is found in multiple mammalian species, which suggests that this missense change does not adversely affect protein function. In summary, the available evidence is currently insufficient to determine the role of this variant in disease. Therefore, it has been classified as a Variant of Uncertain Significance.

NM_139057.4(ADAMTS17):c.1593G>T (p.Glu531Asp)

Gene: ADAMTS17 (ADAM metallopeptidase with thrombospondin type 1 motif 17; minus strand). Cytogenetic location: 15q26.3.
Variant type: single nucleotide variant.
Coding change: c.1593G>T on transcript NM_139057.4 (MANE Select); coding-DNA position 1593, G replaced by T.
Protein change: p.Glu531Asp; replaces glutamic acid 531 with aspartic acid.
Molecular consequence: missense variant.
Genome position (GRCh38, 1-based): chr15:100,132,135, C>A on the plus strand (G>T on the coding strand, the complement: ADAMTS17 is on the minus strand). VCF-style: chr15-100132135-C-A. GRCh37 (hg19) VCF-style: chr15-100672340-C-A.
Other names: short protein forms E531D.
Identifiers: ClinVar variation 4779923 (VCV004779923.1).